The following is an entry in ClinVar:

NM_000260.4(MYO7A):c.286-5C>T

Gene: MYO7A (myosin VIIA; plus strand). Cytogenetic location: 11q13.5.
Variant type: single nucleotide variant.
Coding change: c.286-5C>T on transcript NM_000260.4 (MANE Select); 5 bases into the intron before coding-DNA position 286, C replaced by T.
Molecular consequence: intron variant.
Genome position (GRCh38, 1-based): chr11:77,155,902, C>T. VCF-style: chr11-77155902-C-T. GRCh37 (hg19) VCF-style: chr11-76866948-C-T.
Other names: p.?; c.253-5C>T (NM_001369365.1); c.286-5C>T (NM_001127180.2).
Identifiers: ClinVar variation 43192 (VCV000043192.22), dbSNP rs111033471, ClinGen allele CA132267.

ClinVar aggregate classification (germline): Benign/Likely benign. Review status: criteria provided, multiple submitters, no conflicts (2 of 4 stars). 9 submissions from 7 submitters: Benign (6); Likely benign (2). 1 of the submissions does not count toward it. Last evaluated 2026-02-01.

Conditions:
Usher syndrome type 1 (USH1). Also called: RETINITIS PIGMENTOSA AND CONGENITAL DEAFNESS. Identifiers: Orphanet 231169, Orphanet 886, MedGen C1568247, MONDO:0010168, OMIM 276900.
Usher syndrome type 1B (USH1B). Also called: Usher syndrome type IB. Identifiers: MedGen C1848638, MONDO:0700087.
Autosomal recessive nonsyndromic hearing loss 2. Also called: DEAFNESS, AUTOSOMAL RECESSIVE 2; NEUROSENSORY NONSYNDROMIC RECESSIVE DEAFNESS 2. Identifiers: Orphanet 90636, MedGen C1838701, MONDO:0010807, OMIM 600060.
Autosomal dominant nonsyndromic hearing loss 11. Identifiers: Orphanet 90635, MedGen C1832475, MONDO:0011032, OMIM 601317.

Allele frequency attached by ClinVar (database versions not stated): TOPMed 0.01428; 1000 Genomes Project 0.01538; gnomAD 0.01415; ESP Exome Variant Server 0.01539; 1000 Genomes Project 30x 0.01686.

Submissions (9):

Labcorp Genetics (formerly Invitae), Labcorp
Classification: Benign. Last evaluated: 2026-02-01. Review status: criteria provided, single submitter. Criteria: Invitae Variant Classification Sherloc (09022015). Collection method: clinical testing. Allele origin: germline.

Mayo Clinic Laboratories, Mayo Clinic
Classification: Benign. Last evaluated: 2023-02-15. Review status: criteria provided, single submitter. Criteria: ACMG Guidelines, 2015. Collection method: clinical testing. Allele origin: germline. Observed: 3 variant alleles.
Comment: BA1, BS2

GeneDx
Classification: Benign. Last evaluated: 2018-01-29. Review status: criteria provided, single submitter. Criteria: GeneDx Variant Classification (06012015). Collection method: clinical testing. Allele origin: germline. Affected: yes.
Comment: This variant is considered likely benign or benign based on one or more of the following criteria: it is a conservative change, it occurs at a poorly conserved position in the protein, it is predicted to be benign by multiple in silico algorithms, and/or has population frequency not consistent with disease.

Illumina Laboratory Services, Illumina
Classification: Benign for Autosomal dominant nonsyndromic hearing loss 11. Last evaluated: 2018-01-12. Review status: criteria provided, single submitter. Criteria: ICSL Variant Classification Criteria 13 December 2019. Collection method: clinical testing. Allele origin: germline.
Comment: This variant was observed in the ICSL laboratory as part of a predisposition screen in an ostensibly healthy population. It had not been previously curated by ICSL or reported in the Human Gene Mutation Database (HGMD: prior to June 1st, 2018), and was therefore a candidate for classification through an automated scoring system. Utilizing variant allele frequency, disease prevalence and penetrance estimates, and inheritance mode, an automated score was calculated to assess if this variant is too frequent to cause the disease. Based on the score and internal cut-off values, a variant classified as benign is not then subjected to further curation. The score for this variant resulted in a classification of benign for this disease.

Illumina Laboratory Services, Illumina
Classification: Benign for Usher syndrome type 1. Last evaluated: 2018-01-12. Review status: criteria provided, single submitter. Criteria: ICSL Variant Classification Criteria 13 December 2019. Collection method: clinical testing. Allele origin: germline.
Comment: the same text as in the submission from Illumina Laboratory Services, Illumina above.

Illumina Laboratory Services, Illumina
Classification: Likely benign for Autosomal recessive nonsyndromic hearing loss 2. Last evaluated: 2018-01-12. Review status: criteria provided, single submitter. Criteria: ICSL Variant Classification Criteria 13 December 2019. Collection method: clinical testing. Allele origin: germline.
Comment: This variant was observed in the ICSL laboratory as part of a predisposition screen in an ostensibly healthy population. It had not been previously curated by ICSL or reported in the Human Gene Mutation Database (HGMD: prior to June 1st, 2018), and was therefore a candidate for classification through an automated scoring system. Utilizing variant allele frequency, disease prevalence and penetrance estimates, and inheritance mode, an automated score was calculated to assess if this variant is too frequent to cause the disease. Based on the score and internal cut-off values, a variant classified as likely benign is not then subjected to further curation. The score for this variant resulted in a classification of likely benign for this disease.

Laboratory for Molecular Medicine, Mass General Brigham Personalized Medicine
Classification: Benign. Last evaluated: 2012-02-20. Review status: criteria provided, single submitter. Criteria: LMM Criteria. Collection method: clinical testing. Allele origin: germline. Observed: 22 variant alleles.
Comment: 286-5C>T in intron 5 of MYO7A: This variant is not expected to have clinical sig nificance because it has been identified in 4.4% (163/3706) of African American chromosomes from a broad population by the NHLBI Exome Sequencing Project (dbSNP rs111033471).

Breakthrough Genomics
Classification: Likely benign. Review status: criteria provided, single submitter. Criteria: ACMG Guidelines, 2015. Collection method: not provided. Allele origin: germline. Inheritance: Autosomal recessive inheritance. Affected: yes.

Natera, Inc.
Classification: Benign for Usher syndrome type 1B. Last evaluated: 2020-09-16. Review status: no assertion criteria provided. Collection method: clinical testing. Allele origin: germline. Not counted in ClinVar's aggregate classification.